The following is an entry in ClinVar:

ClinVar aggregate classification (germline): Uncertain significance (1 of 4 stars; one submission).

Conditions:
Arrhythmogenic cardiomyopathy with wooly hair and keratoderma. Also called: PALMOPLANTAR KERATODERMA WITH LEFT VENTRICULAR CARDIOMYOPATHY AND WOOLLY HAIR; Carvajal syndrome; Dilated cardiomyopathy with woolly hair and keratoderma; Arrhythmogenic cardiomyopathy with woolly hair and keratoderma. Identifiers: Orphanet 65282, MedGen C1854063, MONDO:0011581, OMIM 605676.
Arrhythmogenic right ventricular dysplasia 8 (ARVD8). Also called: Arrhythmogenic Right Ventricular Dysplasia/Cardiomyopathy 8; ARRHYTHMOGENIC RIGHT VENTRICULAR DYSPLASIA, FAMILIAL, 8; ARRHYTHMOGENIC RIGHT VENTRICULAR CARDIOMYOPATHY 8. Identifiers: MedGen C1843896, MONDO:0011831, OMIM 607450.

gnomAD v4.1: 1 of 1,614,092 alleles (0.000062%); highest among the groups gnomAD compares: Non-Finnish European, 0.000085%; no homozygotes.

Submission:

Labcorp Genetics (formerly Invitae), Labcorp
Classification: Uncertain significance for Arrhythmogenic cardiomyopathy with wooly hair and keratoderma; Arrhythmogenic right ventricular dysplasia 8. Last evaluated: 2025-10-30. Review status: criteria provided, single submitter. Criteria: Invitae Variant Classification Sherloc (09022015). Collection method: clinical testing. Allele origin: germline.
Comment: This sequence change replaces alanine, which is neutral and non-polar, with proline, which is neutral and non-polar, at codon 1274 of the DSP protein (p.Ala1274Pro). This variant is not present in population databases (gnomAD no frequency). This missense change has been observed in individual(s) with dilated cardiomyopathy (PMID: 28750076). ClinVar contains an entry for this variant (Variation ID: 1497431). An algorithm developed to predict the effect of missense changes on protein structure and function (PolyPhen-2) suggests that this variant is likely to be disruptive. In summary, the available evidence is currently insufficient to determine the role of this variant in disease. Therefore, it has been classified as a Variant of Uncertain Significance.

Literature cited by the submitters: PubMed 28750076.

NM_004415.4(DSP):c.3820G>C (p.Ala1274Pro)

Gene: DSP (desmoplakin; plus strand). Cytogenetic location: 6p24.3.
Variant type: single nucleotide variant.
Coding change: c.3820G>C on transcript NM_004415.4 (MANE Select); coding-DNA position 3820, G replaced by C.
Protein change: p.Ala1274Pro; replaces alanine 1274 with proline.
Molecular consequence: missense variant. On other transcripts: intron variant (1).
Genome position (GRCh38, 1-based): chr6:7,580,010, G>C. VCF-style: chr6-7580010-G-C. GRCh37 (hg19) VCF-style: chr6-7580243-G-C.
Other names: c.3820G>C, p.Ala1274Pro (NM_001319034.2); c.3582+238G>C (NM_001008844.3); short protein forms A1274P.
Identifiers: ClinVar variation 1497431 (VCV001497431.7), dbSNP rs1285435504, ClinGen allele CA362684925.